The following is an entry in ClinVar:

NM_199242.3(UNC13D):c.1128del (p.Ser377fs)

Gene: UNC13D (unc-13 homolog D; minus strand). Cytogenetic location: 17q25.1.
Variant type: Deletion.
Coding change: c.1128del on transcript NM_199242.3 (MANE Select); coding-DNA position 1128, one base deleted (C; older notation c.1128delC).
Protein change: p.Ser377fs; shifts the reading frame from serine 377.
Molecular consequence: frameshift variant.
Genome position (GRCh38, 1-based): chr17:75,836,846, G deleted on the plus strand (C on the coding strand, the reverse complement: UNC13D is on the minus strand); the first of 2 consecutive G bases (chr17:75,836,846-75,836,847); deleting either gives the same sequence. VCF-style (leftmost placement, unchanged base first): chr17-75836845-TG-T. GRCh37 (hg19) VCF-style: chr17-73832926-TG-T.
Other names: short protein forms S377fs.
Identifiers: ClinVar variation 4890731 (VCV004890731.1).

ClinVar aggregate classification (germline): Pathogenic (1 of 4 stars; one submission).

Conditions:
Familial hemophagocytic lymphohistiocytosis 3 (FHL3). Also called: UNC13D-Related Familial Hemophagocytic Lymphohistiocytosis (UNC13D-fHLH). Identifiers: Orphanet 540, MedGen C1837174, MONDO:0012146, OMIM 608898.

Submission:

Institute of Human Genetics, University of Leipzig Medical Center
Classification: Pathogenic for Familial hemophagocytic lymphohistiocytosis 3. Review status: criteria provided, single submitter. Criteria: ACMG Guidelines, 2015. Collection method: clinical testing. Allele origin: paternal. Inheritance: Autosomal recessive inheritance. Affected: yes.
Comment: Criteria applied: PVS1,PM2,PM3